The following is an entry in ClinVar:

NM_005359.6(SMAD4):c.1127T>C (p.Ile376Thr)

Gene: SMAD4 (SMAD family member 4; plus strand). Cytogenetic location: 18q21.2.
Variant type: single nucleotide variant.
Coding change: c.1127T>C on transcript NM_005359.6 (MANE Select); coding-DNA position 1127, T replaced by C.
Protein change: p.Ile376Thr; replaces isoleucine 376 with threonine.
Molecular consequence: missense variant. On other transcripts: non-coding transcript variant (2).
Genome position (GRCh38, 1-based): chr18:51,065,594, T>C. VCF-style: chr18-51065594-T-C. GRCh37 (hg19) VCF-style: chr18-48591964-T-C.
Other names: c.1127T>C, p.Ile376Thr (NM_001407041.1, NM_001407042.1, NM_001407043.1); short protein forms I376T.
Identifiers: ClinVar variation 2710585 (VCV002710585.4), dbSNP rs2144447935, ClinGen allele CA402464570.

ClinVar aggregate classification (germline): Uncertain significance. Review status: criteria provided, multiple submitters, no conflicts (2 of 4 stars). 2 submissions from 2 submitters: Uncertain significance (2). Last evaluated 2025-05-30.

Conditions:
Juvenile polyposis syndrome (JPS). Identifiers: Orphanet 2929, MedGen C0345893, MONDO:0017380, OMIM 174900.
Hereditary cancer-predisposing syndrome. Also called: Neoplastic Syndromes, Hereditary; Hereditary neoplastic syndrome; Tumor predisposition; Hereditary Cancer Syndrome. Identifiers: Orphanet 140162, MedGen C0027672, MeSH D009386, MONDO:0015356.

Submissions (2):

Color Diagnostics, LLC DBA Color Health
Classification: Uncertain significance for Hereditary cancer-predisposing syndrome. Last evaluated: 2025-05-30. Review status: criteria provided, single submitter. Criteria: ACMG Guidelines, 2015. Collection method: clinical testing. Allele origin: germline.
Comment: This missense variant replaces isoleucine with threonine at codon 376 of the SMAD4 protein. Computational prediction is inconclusive regarding the impact of this variant on protein structure and function. To our knowledge, functional studies have not been reported for this variant. This variant has not been reported in individuals affected with SMAD4-related disorders in the literature. This variant has not been identified in the general population by the Genome Aggregation Database (gnomAD). The available evidence is insufficient to determine the role of this variant in disease conclusively. Therefore, this variant is classified as a Variant of Uncertain Significance.

Labcorp Genetics (formerly Invitae), Labcorp
Classification: Uncertain significance for Juvenile polyposis syndrome. Last evaluated: 2024-01-21. Review status: criteria provided, single submitter. Criteria: Invitae Variant Classification Sherloc (09022015). Collection method: clinical testing. Allele origin: germline.
Comment: This sequence change replaces isoleucine, which is neutral and non-polar, with threonine, which is neutral and polar, at codon 376 of the SMAD4 protein (p.Ile376Thr). This variant is not present in population databases (gnomAD no frequency). This variant has not been reported in the literature in individuals affected with SMAD4-related conditions. Advanced modeling of protein sequence and biophysical properties (such as structural, functional, and spatial information, amino acid conservation, physicochemical variation, residue mobility, and thermodynamic stability) has been performed at Invitae for this missense variant, however the output from this modeling did not meet the statistical confidence thresholds required to predict the impact of this variant on SMAD4 protein function. In summary, the available evidence is currently insufficient to determine the role of this variant in disease. Therefore, it has been classified as a Variant of Uncertain Significance.